The following is an entry in ClinVar:

NM_002292.4(LAMB2):c.2344+1G>A

Gene: LAMB2 (laminin subunit beta 2; minus strand). Cytogenetic location: 3p21.31.
Variant type: single nucleotide variant.
Coding change: c.2344+1G>A on transcript NM_002292.4 (MANE Select); the canonical splice donor site of the intron after coding-DNA position 2344, G replaced by A.
Molecular consequence: splice donor variant.
Genome position (GRCh38, 1-based): chr3:49,125,966, C>T on the plus strand (G>A on the coding strand, the complement: LAMB2 is on the minus strand). VCF-style: chr3-49125966-C-T. GRCh37 (hg19) VCF-style: chr3-49163399-C-T.
Identifiers: ClinVar variation 1032809 (VCV001032809.3), dbSNP rs140068188, ClinGen allele CA2394326.

ClinVar aggregate classification (germline): Pathogenic/Likely pathogenic. Review status: criteria provided, multiple submitters, no conflicts (2 of 4 stars). 2 submissions from 2 submitters: Pathogenic (1); Likely pathogenic (1). Last evaluated 2025-12-17.

Conditions:
Pierson syndrome. Also called: MICROCORIA-CONGENITAL NEPHROTIC SYNDROME. Identifiers: Orphanet 2670, MedGen C1836876, MONDO:0012184, OMIM 609049.
LAMB2-related infantile-onset nephrotic syndrome. Also called: Nephrotic Syndrome, type 5; NEPHROTIC SYNDROME, TYPE 5, WITHOUT OCULAR ABNORMALITIES; NEPHROTIC SYNDROME, TYPE 5, WITH OCULAR ABNORMALITIES. Identifiers: Orphanet 306507, MedGen C3280113, MONDO:0013621, OMIM 614199.

Allele frequency attached by ClinVar (database versions not stated): ExAC 0.00001; gnomAD exomes 0.00001; ESP Exome Variant Server 0.00008.
gnomAD v4.1: 11 of 1,614,026 alleles (0.00068%); highest among the groups gnomAD compares: Non-Finnish European, 0.00085%; no homozygotes.

Submissions (2):

Labcorp Genetics (formerly Invitae), Labcorp
Classification: Likely pathogenic for LAMB2-related infantile-onset nephrotic syndrome; Pierson syndrome. Last evaluated: 2025-12-17. Review status: criteria provided, single submitter. Criteria: Invitae Variant Classification Sherloc (09022015). Collection method: clinical testing. Allele origin: germline.
Comment: This sequence change affects a donor splice site in intron 17 of the LAMB2 gene. It is expected to disrupt RNA splicing. Variants that disrupt the donor or acceptor splice site typically lead to a loss of protein function (PMID: 16199547), and loss-of-function variants in LAMB2 are known to be pathogenic (PMID: 15367484). This variant is present in population databases (rs140068188, gnomAD 0.002%). This variant has not been reported in the literature in individuals affected with LAMB2-related conditions. ClinVar contains an entry for this variant (Variation ID: 1032809). Algorithms developed to predict the effect of sequence changes on RNA splicing suggest that this variant may disrupt the consensus splice site. In summary, the currently available evidence indicates that the variant is pathogenic, but additional data are needed to prove that conclusively. Therefore, this variant has been classified as Likely Pathogenic.

Baylor Genetics
Classification: Pathogenic for LAMB2-related infantile-onset nephrotic syndrome. Last evaluated: 2018-12-18. Review status: criteria provided, single submitter. Criteria: ACMG Guidelines, 2015. Collection method: clinical testing. Allele origin: maternal. Affected: yes.
Comment: This variant was determined to be pathogenic according to ACMG Guidelines, 2015 [PMID:25741868].

Literature cited by the submitters: PubMed 16199547 (cited by Labcorp Genetics (formerly Invitae), Labcorp); PubMed 15367484 (cited by Labcorp Genetics (formerly Invitae), Labcorp).